The following is an entry in ClinVar:

ClinVar aggregate classification (germline): Uncertain significance. Review status: criteria provided, single submitter (1 of 4 stars). 2 submissions from 2 submitters: Uncertain significance (1). 1 of the submissions does not count toward it. Last evaluated 2025-01-10.

Conditions:
Cardiovascular phenotype. Identifiers: MedGen CN230736.
Alstrom syndrome (ALMS). Identifiers: Orphanet 64, MedGen C0268425, MONDO:0008763, OMIM 203800.

Submissions (2):

Ambry Genetics
Classification: Uncertain significance for Cardiovascular phenotype. Last evaluated: 2025-01-10. Review status: criteria provided, single submitter. Criteria: Ambry Variant Classification Scheme 2023. Collection method: clinical testing. Allele origin: germline.
Comment: The c.9784+5G>C intronic variant results from a G to C substitution 5 nucleotides after coding exon 11 in the ALMS1 gene. This nucleotide position is highly conserved in available vertebrate species. In silico splice site analysis predicts that this alteration may weaken the native splice donor site and will result in the creation or strengthening of a novel splice donor site. Based on the available evidence, the clinical significance of this variant remains unclear.

Counsyl
Classification: Uncertain significance for Alstrom syndrome. Last evaluated: 2017-05-31. Review status: no assertion criteria provided. Collection method: clinical testing. Allele origin: unknown. Not counted in ClinVar's aggregate classification.

NM_001378454.1(ALMS1):c.9781+5G>C

Gene: ALMS1 (ALMS1 centrosome and basal body associated protein; plus strand). Cytogenetic location: 2p13.1.
Variant type: single nucleotide variant.
Coding change: c.9781+5G>C on transcript NM_001378454.1 (MANE Select); 5 bases into the intron after coding-DNA position 9781, G replaced by C.
Molecular consequence: intron variant.
Genome position (GRCh38, 1-based): chr2:73,520,021, G>C. VCF-style: chr2-73520021-G-C. GRCh37 (hg19) VCF-style: chr2-73747148-G-C.
Other names: c.9781+5G>C (NM_015120.4); c.9784+5G>C (NM_015120.4).
Identifiers: ClinVar variation 552241 (VCV000552241.3), dbSNP rs1553412803, ClinGen allele CA658821444.